The following is an entry in ClinVar:

NM_001270508.2(TNFAIP3):c.1876_1877del (p.Leu626fs)

Gene: TNFAIP3 (TNF alpha induced protein 3; plus strand). Cytogenetic location: 6q23.3.
Variant type: Deletion.
Coding change: c.1876_1877del on transcript NM_001270508.2 (MANE Select); coding-DNA positions 1876 to 1877, 2 bases deleted (CT; older notation c.1876_1877delCT).
Protein change: p.Leu626fs; shifts the reading frame from leucine 626.
Molecular consequence: frameshift variant.
Genome position (GRCh38, 1-based): chr6:137,879,321-137,879,322, CT deleted. VCF-style (leftmost placement, unchanged base first): chr6-137879320-ACT-A. GRCh37 (hg19) VCF-style: chr6-138200457-ACT-A.
Other names: c.1876_1877del, p.Leu626fs (NM_001270507.2, NM_006290.4); short protein forms L626fs.
Identifiers: ClinVar variation 423517 (VCV000423517.2), dbSNP rs1064796470, ClinGen allele CA16618247.

ClinVar aggregate classification (germline): Pathogenic (1 of 4 stars; one submission).

Submission:

GeneDx
Classification: Pathogenic. Last evaluated: 2017-03-14. Review status: criteria provided, single submitter. Criteria: GeneDx Variant Classification (06012015). Collection method: clinical testing. Allele origin: germline. Affected: yes.
Comment: The c.1876_1877delCT variant in the TNFAIP3 gene has not been reported previously as a pathogenic variant nor as a benign variant, to our knowledge. The c.1876_1877delCT variant causes a frameshift starting with codon Leucine 626, changes this amino acid to a Valine residue, and creates a premature Stop codon at position 45 of the new reading frame, denoted p.Leu626ValfsX45. This variant is predicted to cause loss of normal protein function either through protein truncation or nonsense-mediated mRNA decay. The c.1876_1877delCT variant is not observed in large population cohorts (Lek et al., 2016; 1000 Genomes Consortium et al., 2015; Exome Variant Server). We interpret c.1876_1877delCT as a pathogenic variant.